The following is an entry in ClinVar:

ClinVar aggregate classification (germline): Conflicting classifications of pathogenicity. Review status: criteria provided, conflicting classifications (1 of 4 stars). 2 submissions from 2 submitters: Uncertain significance (1); Likely benign (1). Last evaluated 2025-05-13.

Conditions:
Primary ciliary dyskinesia. Also called: Ciliary dyskinesia. Identifiers: Orphanet 244, MedGen C0008780, MONDO:0016575, HP:0012265.

Allele frequency attached by ClinVar (database versions not stated): gnomAD exomes below 0.00001; ExAC 0.00001; gnomAD 0.00003; TOPMed 0.00003.
gnomAD v4.1: 6 of 1,613,888 alleles (0.00037%); highest among the groups gnomAD compares: African/African-American, 0.0067%; no homozygotes.

Submissions (2):

Labcorp Genetics (formerly Invitae), Labcorp
Classification: Likely benign for Primary ciliary dyskinesia. Last evaluated: 2025-05-13. Review status: criteria provided, single submitter. Criteria: Invitae Variant Classification Sherloc (09022015). Collection method: clinical testing. Allele origin: germline.

Ambry Genetics
Classification: Uncertain significance for Primary ciliary dyskinesia. Last evaluated: 2021-10-21. Review status: criteria provided, single submitter. Criteria: Ambry Variant Classification Scheme 2023. Collection method: clinical testing. Allele origin: germline.
Comment: The p.A178T variant (also known as c.532G>A), located in coding exon 5 of the DNAH5 gene, results from a G to A substitution at nucleotide position 532. The alanine at codon 178 is replaced by threonine, an amino acid with similar properties. This amino acid position is conserved. In addition, this alteration is predicted to be tolerated by in silico analysis. Since supporting evidence is limited at this time, the clinical significance of this alteration remains unclear.

NM_001369.3(DNAH5):c.532G>A (p.Ala178Thr)

Gene: DNAH5 (dynein axonemal heavy chain 5; minus strand). Cytogenetic location: 5p15.2.
Variant type: single nucleotide variant.
Coding change: c.532G>A on transcript NM_001369.3 (MANE Select); coding-DNA position 532, G replaced by A.
Protein change: p.Ala178Thr; replaces alanine 178 with threonine.
Molecular consequence: missense variant.
Genome position (GRCh38, 1-based): chr5:13,922,235, C>T on the plus strand (G>A on the coding strand, the complement: DNAH5 is on the minus strand). VCF-style: chr5-13922235-C-T. GRCh37 (hg19) VCF-style: chr5-13922344-C-T.
Other names: short protein forms A178T.
Identifiers: ClinVar variation 1746874 (VCV001746874.5), dbSNP rs781356156, ClinGen allele CA3205159.
Genomic context (GRCh38, chr5:13,922,235, plus strand): 5'-CCTGGCGAATGTTAGCTGCGTCCTGAAGGCCCTCGAGCTCGCCCCAGCCATGGCTCGTGG[C>T]TCTGAGAGCAGGAATGAAGATGTCCGACAGCAAACGTCTCACACTGTTGAGCAGGCCTCC-3'
Protein context (NP_001360.1, residues 168-188): LSDIFIPALR[Ala178Thr]TSHGWGELEG